The following is an entry in ClinVar:

ClinVar aggregate classification (germline): Uncertain significance (1 of 4 stars; one submission).

Allele frequency attached by ClinVar (database versions not stated): gnomAD 0.00001.
gnomAD v4.1: 6 of 1,608,958 alleles (0.00037%); highest among the groups gnomAD compares: Admixed American, 0.0084%; no homozygotes.

Submission:

Labcorp Genetics (formerly Invitae), Labcorp
Classification: Uncertain significance. Last evaluated: 2022-08-16. Review status: criteria provided, single submitter. Criteria: Invitae Variant Classification Sherloc (09022015). Collection method: clinical testing. Allele origin: germline.
Comment: This variant has not been reported in the literature in individuals affected with CEP250-related conditions. This variant is present in population databases (no rsID available, gnomAD 0.007%). This sequence change replaces leucine, which is neutral and non-polar, with phenylalanine, which is neutral and non-polar, at codon 991 of the CEP250 protein (p.Leu991Phe). Algorithms developed to predict the effect of missense changes on protein structure and function are either unavailable or do not agree on the potential impact of this missense change (SIFT: "Not Available"; PolyPhen-2: "Possibly Damaging"; Align-GVGD: "Not Available"). In summary, the available evidence is currently insufficient to determine the role of this variant in disease. Therefore, it has been classified as a Variant of Uncertain Significance.

NM_007186.6(CEP250):c.2971C>T (p.Leu991Phe)

Gene: CEP250 (centrosomal protein 250; plus strand). Cytogenetic location: 20q11.22.
Variant type: single nucleotide variant.
Coding change: c.2971C>T on transcript NM_007186.6 (MANE Select); coding-DNA position 2971, C replaced by T.
Protein change: p.Leu991Phe; replaces leucine 991 with phenylalanine.
Molecular consequence: missense variant.
Genome position (GRCh38, 1-based): chr20:35,493,510, C>T. VCF-style: chr20-35493510-C-T. GRCh37 (hg19) VCF-style: chr20-34081337-C-T.
Other names: c.1075C>T, p.Leu359Phe (NM_001318219.1); short protein forms L991F, L359F.
Identifiers: ClinVar variation 2184039 (VCV002184039.3), dbSNP rs1164196893, ClinGen allele CA408741425.